The following is an entry in ClinVar:

NM_198129.4(LAMA3):c.7658_7659del (p.Leu2553fs)

Gene: LAMA3 (laminin subunit alpha 3; plus strand). Cytogenetic location: 18q11.2.
Variant type: Deletion.
Coding change: c.7658_7659del on transcript NM_198129.4 (MANE Select); coding-DNA positions 7658 to 7659, 2 bases deleted (TA; older notation c.7658_7659delTA).
Protein change: p.Leu2553fs; shifts the reading frame from leucine 2553.
Molecular consequence: frameshift variant.
Genome position (GRCh38, 1-based): chr18:23,915,302-23,915,303, TA deleted. VCF-style (leftmost placement, unchanged base first): chr18-23915301-CTA-C. GRCh37 (hg19) VCF-style: chr18-21495265-CTA-C.
Other names: c.2831_2832del, p.Leu944fs (NM_000227.6); c.7490_7491del, p.Leu2497fs (NM_001127717.4); c.2663_2664del, p.Leu888fs (NM_001127718.4); short protein forms L2497fs, L888fs, L944fs, L2553fs.
Identifiers: ClinVar variation 2736713 (VCV002736713.3), dbSNP rs2511472011, ClinGen allele CA2695227280.

ClinVar aggregate classification (germline): Pathogenic (1 of 4 stars; one submission).

Submission:

Labcorp Genetics (formerly Invitae), Labcorp
Classification: Pathogenic. Last evaluated: 2022-12-16. Review status: criteria provided, single submitter. Criteria: Invitae Variant Classification Sherloc (09022015). Collection method: clinical testing. Allele origin: germline.
Comment: For these reasons, this variant has been classified as Pathogenic. This variant is also known as 2830delTA. This premature translational stop signal has been observed in individual(s) with epidermolysis bullosa (PMID: 16473856). This variant is not present in population databases (gnomAD no frequency). This sequence change creates a premature translational stop signal (p.Leu944Glnfs*10) in the LAMA3 gene. It is expected to result in an absent or disrupted protein product. Loss-of-function variants in LAMA3 are known to be pathogenic (PMID: 10366601, 11810295, 12915477, 16473856, 17362460, 22434185, 23869449, 27827380, 28087116).

Literature cited by the submitters: PubMed 16473856; PubMed 10366601; PubMed 11810295; PubMed 12915477; PubMed 17362460; PubMed 22434185; PubMed 23869449; PubMed 27827380; PubMed 28087116.